The following is an entry in ClinVar:

ClinVar aggregate classification (germline): Pathogenic. Review status: criteria provided, multiple submitters, no conflicts (2 of 4 stars). 4 submissions from 4 submitters: Pathogenic (4). Last evaluated 2023-06-11.

Conditions:
Retinitis pigmentosa 25 (RP25). Identifiers: Orphanet 791, MedGen C1864446, MONDO:0011272, OMIM 602772.
EYS-related disorder. Also called: EYS-related condition.

Allele frequency attached by ClinVar (database versions not stated): TOPMed below 0.00001; gnomAD 0.00001.

Submissions (4):

Blueprint Genetics
Classification: Pathogenic for EYS-related disorders. Last evaluated: 2023-06-11. Review status: criteria provided, single submitter. Criteria: ACMG Guidelines, 2015. Collection method: clinical testing. Allele origin: germline. Affected: yes. Observed: 5 variant alleles.

Labcorp Genetics (formerly Invitae), Labcorp
Classification: Pathogenic. Last evaluated: 2023-05-03. Review status: criteria provided, single submitter. Criteria: Invitae Variant Classification Sherloc (09022015). Collection method: clinical testing. Allele origin: germline.
Comment: For these reasons, this variant has been classified as Pathogenic. ClinVar contains an entry for this variant (Variation ID: 862313). This variant has not been reported in the literature in individuals affected with EYS-related conditions. This variant is not present in population databases (gnomAD no frequency). This sequence change creates a premature translational stop signal (p.Thr2648Lysfs*34) in the EYS gene. It is expected to result in an absent or disrupted protein product. Loss-of-function variants in EYS are known to be pathogenic (PMID: 18836446, 20333770).

DBGen Ocular Genomics
Classification: Pathogenic for Retinitis pigmentosa 25. Last evaluated: 2021-06-07. Review status: criteria provided, single submitter. Criteria: ACMG Guidelines, 2015. Collection method: clinical testing. Allele origin: germline. Affected: yes. Observed: 1 variant allele.

Institute of Medical Genetics and Applied Genomics, University Hospital Tübingen
Classification: Pathogenic. Last evaluated: 2020-10-23. Review status: criteria provided, single submitter. Criteria: ACMG Guidelines, 2015. Collection method: clinical testing. Allele origin: germline. Inheritance: Unknown mechanism. Affected: yes.

Literature cited by the submitters: PubMed 18836446 (cited by Labcorp Genetics (formerly Invitae), Labcorp); PubMed 20333770 (cited by Labcorp Genetics (formerly Invitae), Labcorp).

NM_001142800.2(EYS):c.7943del (p.Thr2648fs)

Gene: EYS (EGF-like photoreceptor maintenance factor; minus strand). Cytogenetic location: 6q12.
Variant type: Deletion.
Coding change: c.7943del on transcript NM_001142800.2 (MANE Select); coding-DNA position 7943, one base deleted (C; older notation c.7943delC).
Protein change: p.Thr2648fs; shifts the reading frame from threonine 2648.
Molecular consequence: frameshift variant.
Genome position (GRCh38, 1-based): chr6:63,762,589, G deleted on the plus strand (C on the coding strand, the reverse complement: EYS is on the minus strand). VCF-style (leftmost placement, unchanged base first): chr6-63762588-TG-T. GRCh37 (hg19) VCF-style: chr6-64472481-TG-T.
Other names: c.7943del, p.Thr2648fs (NM_001292009.2); short protein forms T2648fs.
Identifiers: ClinVar variation 862313 (VCV000862313.11), dbSNP rs1477705832, ClinGen allele CA658655600.